The following is an entry in ClinVar:

ClinVar aggregate classification (germline): Likely benign. Review status: criteria provided, multiple submitters, no conflicts (2 of 4 stars). 2 submissions from 2 submitters: Likely benign (2). Last evaluated 2024-09-01.

Submissions (2):

CeGaT Center for Human Genetics Tuebingen
Classification: Likely benign. Last evaluated: 2024-09-01. Review status: criteria provided, single submitter. Criteria: CeGaT Center For Human Genetics Tuebingen Variant Classification Criteria Version 2. Collection method: clinical testing. Allele origin: germline. Affected: yes. Observed: 1 variant allele.
Comment: SETD1B: BP4, BP7

Blueprint Genetics
Classification: Likely benign. Last evaluated: 2024-01-30. Review status: criteria provided, single submitter. Criteria: ACMG Guidelines, 2015. Collection method: clinical testing. Allele origin: germline.

NM_001353345.2(SETD1B):c.1101G>A (p.Pro367=)

Gene: SETD1B (SET domain containing 1B, histone lysine methyltransferase; plus strand). Cytogenetic location: 12q24.31.
Variant type: single nucleotide variant.
Coding change: c.1101G>A on transcript NM_001353345.2 (MANE Select); coding-DNA position 1101, G replaced by A.
Protein change: p.Pro367=; no amino-acid change (proline 367 retained).
Molecular consequence: synonymous variant.
Genome position (GRCh38, 1-based): chr12:121,810,046, G>A. VCF-style: chr12-121810046-G-A. GRCh37 (hg19) VCF-style: chr12-122247952-G-A.
Identifiers: ClinVar variation 3388931 (VCV003388931.15).